The following is an entry in ClinVar:

NM_001384140.1(PCDH15):c.811dup (p.Val271fs)

Gene: PCDH15 (protocadherin related 15; minus strand). Cytogenetic location: 10q21.1.
Variant type: Duplication.
Coding change: c.811dup on transcript NM_001384140.1 (MANE Select); coding-DNA position 811, one base duplicated (G; older notation c.811dupG).
Protein change: p.Val271fs; shifts the reading frame from valine 271.
Molecular consequence: frameshift variant.
Genome position (GRCh38, 1-based): chr10:54,317,336, C duplicated on the plus strand (G on the coding strand, the reverse complement: PCDH15 is on the minus strand). VCF-style (leftmost placement, unchanged base first): chr10-54317335-A-AC. GRCh37 (hg19) VCF-style: chr10-56077095-A-AC.
Other names: c.826dup, p.Val276fs (NM_001142763.2, NM_001142771.2); c.811dup, p.Val271fs (NM_001142764.2, NM_001142765.2, NM_001142766.2 and 7 more transcripts); c.700dup, p.Val234fs (NM_001142767.2); c.745dup, p.Val249fs (NM_001142768.2, NM_001142773.2, NM_001354404.2); c.826dup, p.Val276Glyfs (NM_001142769.4); short protein forms V234fs, V249fs, V271fs, V276fs.
Identifiers: ClinVar variation 1726482 (VCV001726482.2), dbSNP rs2541280442, ClinGen allele CA2580081652.

ClinVar aggregate classification (germline): Likely pathogenic (1 of 4 stars; one submission).

Conditions:
Usher syndrome type 1D (USH1D). Also called: USHER SYNDROME, TYPE ID. Identifiers: Orphanet 231169, Orphanet 886, MedGen C1832845, MONDO:0010984, OMIM 601067.

Submission:

Myriad Genetics, Inc.
Classification: Likely pathogenic for Usher syndrome type 1D. Last evaluated: 2021-12-17. Review status: criteria provided, single submitter. Criteria: Myriad Women's Health Autosomal Recessive and X-Linked Classification Criteria (2021). Collection method: clinical testing. Allele origin: unknown.
Comment: NM_033056.3(PCDH15):c.811dupG(V271Gfs*6) is expected to be pathogenic in the context of PCDH15-related disorders. This variant is predicted to lead to an abnormal or absent protein product due to the creation of a premature termination codon in PCDH15, a gene where loss-of-function variants are known to be pathogenic. Please note: this variant was assessed in the context of healthy population screening.